The following is an entry in ClinVar:

ClinVar aggregate classification (germline): Conflicting classifications of pathogenicity. Review status: criteria provided, conflicting classifications (1 of 4 stars). 5 submissions from 5 submitters: Uncertain significance (2); Benign (1); Likely benign (2). Last evaluated 2025-12-19.

Conditions:
Inborn genetic diseases. Identifiers: MedGen C0950123, MeSH D030342.
Palmoplantar keratoderma-esophageal carcinoma syndrome (TOC). Also called: PALMOPLANTAR KERATODERMA WITH ESOPHAGEAL CANCER; KERATOSIS PALMARIS ET PLANTARIS WITH ESOPHAGEAL CANCER; Tylosis with Esophageal Cancer. Identifiers: Orphanet 2198, MedGen C1835664, MONDO:0007856, OMIM 148500.

Allele frequency attached by ClinVar (database versions not stated): gnomAD exomes 0.00004 and 0.00008; ExAC 0.00008; 1000 Genomes Project 30x 0.00031; TOPMed 0.00035; gnomAD 0.00037 and 0.00038; 1000 Genomes Project 0.00040; ESP Exome Variant Server 0.00046.
gnomAD v4.1: 120 of 1,613,192 alleles (0.0074%); highest among the groups gnomAD compares: African/African-American, 0.13%; 1 homozygote.

Submissions (5):

Dasa
Classification: Likely benign. Last evaluated: 2025-12-19. Review status: criteria provided, single submitter. Criteria: DASA Assertion Criteria. Collection method: clinical testing. Allele origin: germline.
Comment: NM_001005498.4(RHBDF2):c.704G>A (p.Arg235Gln) is a missense variant that results in the substitution of arginine with glutamine. Multiple computational predictions suggest no deleterious effect on the gene or gene product. The variant is present at low frequency in population datasets. Based on the available data, this variant is classified as likely benign.

Ambry Genetics
Classification: Uncertain significance for Inborn genetic diseases. Last evaluated: 2025-01-03. Review status: criteria provided, single submitter. Criteria: Ambry Variant Classification Scheme 2023. Collection method: clinical testing. Allele origin: germline.

Labcorp Genetics (formerly Invitae), Labcorp
Classification: Uncertain significance. Last evaluated: 2021-07-16. Review status: criteria provided, single submitter. Criteria: Invitae Variant Classification Sherloc (09022015). Collection method: clinical testing. Allele origin: germline.
Comment: This variant has not been reported in the literature in individuals affected with RHBDF2-related conditions. This sequence change replaces arginine with glutamine at codon 264 of the RHBDF2 protein (p.Arg264Gln). The arginine residue is moderately conserved and there is a small physicochemical difference between arginine and glutamine. ClinVar contains an entry for this variant (Variation ID: 325449). In summary, the available evidence is currently insufficient to determine the role of this variant in disease. Therefore, it has been classified as a Variant of Uncertain Significance. Algorithms developed to predict the effect of missense changes on protein structure and function output the following: SIFT: "Tolerated"; PolyPhen-2: "Benign"; Align-GVGD: "Class C0". The glutamine amino acid residue is found in multiple mammalian species, which suggests that this missense change does not adversely affect protein function.

Blueprint Genetics
Classification: Likely benign. Last evaluated: 2020-12-04. Review status: criteria provided, single submitter. Criteria: ACMG Guidelines, 2015. Collection method: clinical testing. Allele origin: germline.

Illumina Laboratory Services, Illumina
Classification: Benign for Palmoplantar keratoderma-esophageal carcinoma syndrome. Last evaluated: 2018-01-13. Review status: criteria provided, single submitter. Criteria: ICSL Variant Classification Criteria 13 December 2019. Collection method: clinical testing. Allele origin: germline.
Comment: This variant was observed in the ICSL laboratory as part of a predisposition screen in an ostensibly healthy population. It had not been previously curated by ICSL or reported in the Human Gene Mutation Database (HGMD: prior to June 1st, 2018), and was therefore a candidate for classification through an automated scoring system. Utilizing variant allele frequency, disease prevalence and penetrance estimates, and inheritance mode, an automated score was calculated to assess if this variant is too frequent to cause the disease. Based on the score and internal cut-off values, a variant classified as benign is not then subjected to further curation. The score for this variant resulted in a classification of benign for this disease.

NM_001005498.4(RHBDF2):c.704G>A (p.Arg235Gln)

Gene: RHBDF2 (rhomboid 5 homolog 2; minus strand). Cytogenetic location: 17q25.1.
Variant type: single nucleotide variant.
Coding change: c.704G>A on transcript NM_001005498.4 (MANE Select); coding-DNA position 704, G replaced by A.
Protein change: p.Arg235Gln; replaces arginine 235 with glutamine.
Molecular consequence: missense variant. On other transcripts: non-coding transcript variant (3).
Genome position (GRCh38, 1-based): chr17:76,477,754, C>T on the plus strand (G>A on the coding strand, the complement: RHBDF2 is on the minus strand). VCF-style: chr17-76477754-C-T. GRCh37 (hg19) VCF-style: chr17-74473836-C-T.
Other names: c.704G>A, p.Arg235Gln (NM_001376228.1, NM_001376229.1, NM_001376230.1); c.791G>A, p.Arg264Gln (NM_024599.5); short protein forms R264Q, R235Q.
Identifiers: ClinVar variation 325449 (VCV000325449.16), dbSNP rs145136848, ClinGen allele CA8787255.